The following is an entry in ClinVar:

NM_000493.4(COL10A1):c.421C>A (p.Pro141Thr)

Genes: NT5DC1 (5'-nucleotidase domain containing 1; plus strand), COL10A1 (collagen type X alpha 1 chain; minus strand). Cytogenetic location: 6q22.1.
Variant type: single nucleotide variant.
Coding change: c.421C>A on transcript NM_000493.4 (MANE Select); coding-DNA position 421, C replaced by A.
Protein change: p.Pro141Thr; replaces proline 141 with threonine.
Molecular consequence: missense variant. On other transcripts: intron variant (1).
Genome position (GRCh38, 1-based): chr6:116,121,695, G>T on the plus strand (C>A on the coding strand, the complement: COL10A1 is on the minus strand). VCF-style: chr6-116121695-G-T. GRCh37 (hg19) VCF-style: chr6-116442858-G-T.
Other names: c.421C>A, p.Pro141Thr (NM_001424106.1, NM_001424107.1); c.529+3750G>T (NM_152729.3); short protein forms P141T.
Identifiers: ClinVar variation 2064951 (VCV002064951.4), dbSNP rs780293015, ClinGen allele CA3968403.

ClinVar aggregate classification (germline): Uncertain significance (1 of 4 stars; one submission).

Allele frequency attached by ClinVar (database versions not stated): ExAC 0.00001; gnomAD 0.00001; gnomAD exomes 0.00001; TOPMed 0.00001.
gnomAD v4.1: 23 of 1,613,588 alleles (0.0014%); highest among the groups gnomAD compares: Admixed American, 0.0033%; no homozygotes.

Submission:

Labcorp Genetics (formerly Invitae), Labcorp
Classification: Uncertain significance. Last evaluated: 2025-03-31. Review status: criteria provided, single submitter. Criteria: Invitae Variant Classification Sherloc (09022015). Collection method: clinical testing. Allele origin: germline.
Comment: This sequence change replaces proline, which is neutral and non-polar, with threonine, which is neutral and polar, at codon 141 of the COL10A1 protein (p.Pro141Thr). This variant is present in population databases (rs780293015, gnomAD 0.0009%). This variant has not been reported in the literature in individuals affected with COL10A1-related conditions. ClinVar contains an entry for this variant (Variation ID: 2064951). Invitae Evidence Modeling of protein sequence and biophysical properties (such as structural, functional, and spatial information, amino acid conservation, physicochemical variation, residue mobility, and thermodynamic stability) has been performed for this missense variant. However, the output from this modeling did not meet the statistical confidence thresholds required to predict the impact of this variant on COL10A1 protein function. In summary, the available evidence is currently insufficient to determine the role of this variant in disease. Therefore, it has been classified as a Variant of Uncertain Significance.